The following is an entry in ClinVar:

NM_000287.4(PEX6):c.2241C>T (p.Gly747=)

Gene: PEX6 (peroxisomal biogenesis factor 6; minus strand). Cytogenetic location: 6p21.1.
Variant type: single nucleotide variant.
Coding change: c.2241C>T on transcript NM_000287.4 (MANE Select); coding-DNA position 2241, C replaced by T.
Protein change: p.Gly747=; no amino-acid change (glycine 747 retained).
Molecular consequence: synonymous variant.
Genome position (GRCh38, 1-based): chr6:42,966,301, G>A on the plus strand (C>T on the coding strand, the complement: PEX6 is on the minus strand). VCF-style: chr6-42966301-G-A. GRCh37 (hg19) VCF-style: chr6-42934039-G-A.
Other names: c.1977C>T, p.Gly659= (NM_001316313.2).
Identifiers: ClinVar variation 1365109 (VCV001365109.6), dbSNP rs2114239728, ClinGen allele CA450365628.

ClinVar aggregate classification (germline): Uncertain significance (1 of 4 stars; one submission).

Conditions:
Peroxisome biogenesis disorder. Identifiers: Orphanet 79189, MedGen C1832200, MONDO:0019234. Disease mechanism: loss of function.

Allele frequency attached by ClinVar (database versions not stated): gnomAD exomes below 0.00001.
gnomAD v4.1: 1 of 1,612,630 alleles (0.000062%); highest among the groups gnomAD compares: Non-Finnish European, 0.000085%; no homozygotes.

Submission:

Labcorp Genetics (formerly Invitae), Labcorp
Classification: Uncertain significance for Peroxisome biogenesis disorder. Last evaluated: 2022-11-08. Review status: criteria provided, single submitter. Criteria: Invitae Variant Classification Sherloc (09022015). Collection method: clinical testing. Allele origin: germline.
Comment: This variant is not present in population databases (gnomAD no frequency). This sequence change replaces glycine, which is neutral and non-polar, with glycine, which is neutral and non-polar, at codon 747 of the PEX6 protein (Silent). This variant has not been reported in the literature in individuals affected with PEX6-related conditions. In summary, the available evidence is currently insufficient to determine the role of this variant in disease. Therefore, it has been classified as a Variant of Uncertain Significance. Algorithms developed to predict the effect of sequence changes on RNA splicing suggest that this variant may create or strengthen a splice site. ClinVar contains an entry for this variant (Variation ID: 1365109).